The following is an entry in ClinVar:

ClinVar aggregate classification (germline): Uncertain significance. Review status: criteria provided, multiple submitters, no conflicts (2 of 4 stars). 2 submissions from 2 submitters: Uncertain significance (2). Last evaluated 2024-10-28.

Conditions:
Inborn genetic diseases. Identifiers: MedGen C0950123, MeSH D030342.
Combined immunodeficiency due to LRBA deficiency. Also called: Common variable immunodeficiency 8, with autoimmunity. Identifiers: Orphanet 445018, MedGen C3553512, MONDO:0013863, OMIM 614700.

Allele frequency attached by ClinVar (database versions not stated): gnomAD exomes below 0.00001; gnomAD 0.00002.
gnomAD v4.1: 4 of 1,613,282 alleles (0.00025%); highest among the groups gnomAD compares: African/African-American, 0.0053%; no homozygotes.

Submissions (2):

Labcorp Genetics (formerly Invitae), Labcorp
Classification: Uncertain significance for Combined immunodeficiency due to LRBA deficiency. Last evaluated: 2024-10-28. Review status: criteria provided, single submitter. Criteria: Invitae Variant Classification Sherloc (09022015). Collection method: clinical testing. Allele origin: germline.
Comment: This sequence change replaces leucine, which is neutral and non-polar, with phenylalanine, which is neutral and non-polar, at codon 871 of the LRBA protein (p.Leu871Phe). This variant is not present in population databases (gnomAD no frequency). This variant has not been reported in the literature in individuals affected with LRBA-related conditions. ClinVar contains an entry for this variant (Variation ID: 2080754). An algorithm developed to predict the effect of missense changes on protein structure and function (PolyPhen-2) suggests that this variant is likely to be disruptive. In summary, the available evidence is currently insufficient to determine the role of this variant in disease. Therefore, it has been classified as a Variant of Uncertain Significance.

Ambry Genetics
Classification: Uncertain significance for Inborn genetic diseases. Last evaluated: 2023-09-13. Review status: criteria provided, single submitter. Criteria: Ambry Variant Classification Scheme 2023. Collection method: clinical testing. Allele origin: germline.

NM_001364905.1(LRBA):c.2611C>T (p.Leu871Phe)

Gene: LRBA (LPS responsive beige-like anchor protein; minus strand). Cytogenetic location: 4q31.3.
Variant type: single nucleotide variant.
Coding change: c.2611C>T on transcript NM_001364905.1 (MANE Select); coding-DNA position 2611, C replaced by T.
Protein change: p.Leu871Phe; replaces leucine 871 with phenylalanine.
Molecular consequence: missense variant.
Genome position (GRCh38, 1-based): chr4:150,867,826, G>A on the plus strand (C>T on the coding strand, the complement: LRBA is on the minus strand). VCF-style: chr4-150867826-G-A. GRCh37 (hg19) VCF-style: chr4-151788978-G-A.
Other names: c.2611C>T, p.Leu871Phe (NM_001199282.3, NM_001367550.1, NM_006726.5); short protein forms L871F.
Identifiers: ClinVar variation 2080754 (VCV002080754.6), dbSNP rs1012307300, ClinGen allele CA107830801.